The following is an entry in ClinVar:

ClinVar aggregate classification (germline): Uncertain significance. Review status: criteria provided, single submitter (1 of 4 stars). 2 submissions from 2 submitters: Uncertain significance (1). 1 of the submissions does not count toward it. Last evaluated 2022-02-24.

Conditions:
Stuve-Wiedemann syndrome (STWS). Also called: Stüve-Wiedemann syndrome. Identifiers: Orphanet 3206, MedGen C0796176, MONDO:0031280.

Allele frequency attached by ClinVar (database versions not stated): gnomAD exomes below 0.00001 and 0.00003; ExAC 0.00004; TOPMed 0.00006; ESP Exome Variant Server 0.00008; gnomAD 0.00009.
gnomAD v4.1: 20 of 1,586,118 alleles (0.0013%); highest among the groups gnomAD compares: African/African-American, 0.02%; no homozygotes.

Submissions (2):

Labcorp Genetics (formerly Invitae), Labcorp
Classification: Uncertain significance. Last evaluated: 2022-02-24. Review status: criteria provided, single submitter. Criteria: Invitae Variant Classification Sherloc (09022015). Collection method: clinical testing. Allele origin: germline.
Comment: This sequence change falls in intron 18 of the LIFR gene. It does not directly change the encoded amino acid sequence of the LIFR protein. It affects a nucleotide within the consensus splice site. This variant is present in population databases (rs372291945, gnomAD 0.03%). This variant has not been reported in the literature in individuals affected with LIFR-related conditions. ClinVar contains an entry for this variant (Variation ID: 990385). Variants that disrupt the consensus splice site are a relatively common cause of aberrant splicing (PMID: 17576681, 9536098). Algorithms developed to predict the effect of sequence changes on RNA splicing suggest that this variant is not likely to affect RNA splicing. In summary, the available evidence is currently insufficient to determine the role of this variant in disease. Therefore, it has been classified as a Variant of Uncertain Significance.

Natera, Inc.
Classification: Likely benign for Stuve-Wiedemann syndrome. Last evaluated: 2020-10-27. Review status: no assertion criteria provided. Collection method: clinical testing. Allele origin: germline. Not counted in ClinVar's aggregate classification.

Literature cited by the submitters: PubMed 17576681 (cited by Labcorp Genetics (formerly Invitae), Labcorp); PubMed 9536098 (cited by Labcorp Genetics (formerly Invitae), Labcorp).

NM_001127671.2(LIFR):c.2591+6A>T

Gene: LIFR (LIF receptor subunit alpha; minus strand). Cytogenetic location: 5p13.1.
Variant type: single nucleotide variant.
Coding change: c.2591+6A>T on transcript NM_001127671.2 (MANE Select); 6 bases into the intron after coding-DNA position 2591, A replaced by T.
Molecular consequence: intron variant.
Genome position (GRCh38, 1-based): chr5:38,484,769, T>A on the plus strand (A>T on the coding strand, the complement: LIFR is on the minus strand). VCF-style: chr5-38484769-T-A. GRCh37 (hg19) VCF-style: chr5-38484871-T-A.
Other names: c.2591+6A>T (NM_002310.6, NM_001364297.2); c.2558+6A>T (NM_001364298.2).
Identifiers: ClinVar variation 990385 (VCV000990385.5), dbSNP rs372291945, ClinGen allele CA3242622.
Genomic context (GRCh38, chr5:38,484,769, plus strand): 5'-AATCTTACAAATCTTATAATCATGCCTTTAAGAAGAAAACAGCAAGAGTAAATGCAGAAC[T>A]ATTACCATTCTCGTTTCCGATAGCAAAGGATACTTGTCACCACTCCAACAATGACAGCCA-3'